The following is an entry in ClinVar:

NM_198578.4(LRRK2):c.4376A>G (p.Glu1459Gly)

Gene: LRRK2 (leucine rich repeat kinase 2; plus strand). Cytogenetic location: 12q12.
Variant type: single nucleotide variant.
Coding change: c.4376A>G on transcript NM_198578.4 (MANE Select); coding-DNA position 4376, A replaced by G.
Protein change: p.Glu1459Gly; replaces glutamic acid 1459 with glycine.
Molecular consequence: missense variant.
Genome position (GRCh38, 1-based): chr12:40,310,489, A>G. VCF-style: chr12-40310489-A-G. GRCh37 (hg19) VCF-style: chr12-40704291-A-G.
Other names: short protein forms E1459G.
Identifiers: ClinVar variation 1740117 (VCV001740117.2), dbSNP rs1412042581, ClinGen allele CA384418367.

ClinVar aggregate classification (germline): Uncertain significance (1 of 4 stars; one submission).

Conditions:
Inborn genetic diseases. Identifiers: MedGen C0950123, MeSH D030342.

Allele frequency attached by ClinVar (database versions not stated): gnomAD exomes below 0.00001.
gnomAD v4.1: 2 of 1,613,192 alleles (0.00012%); highest among the groups gnomAD compares: Admixed American, 0.0033%; no homozygotes.

Submission:

Ambry Genetics
Classification: Uncertain significance for Inborn genetic diseases. Last evaluated: 2024-03-20. Review status: criteria provided, single submitter. Criteria: Ambry Variant Classification Scheme 2023. Collection method: clinical testing. Allele origin: germline.
Comment: The p.E1459G variant (also known as c.4376A>G), located in coding exon 31 of the LRRK2 gene, results from an A to G substitution at nucleotide position 4376. The glutamic acid at codon 1459 is replaced by glycine, an amino acid with similar properties. This amino acid position is conserved. In addition, the in silico prediction for this alteration is inconclusive. Since supporting evidence is limited at this time, the clinical significance of this alteration remains unclear.